The following is an entry in ClinVar:

NM_000492.4(CFTR):c.1126C>A (p.Gln376Lys)

Gene: CFTR (CF transmembrane conductance regulator; plus strand). Cytogenetic location: 7q31.2.
Variant type: single nucleotide variant.
Coding change: c.1126C>A on transcript NM_000492.4 (MANE Select); coding-DNA position 1126, C replaced by A.
Protein change: p.Gln376Lys; replaces glutamine 376 with lysine.
Molecular consequence: missense variant.
Genome position (GRCh38, 1-based): chr7:117,542,025, C>A. VCF-style: chr7-117542025-C-A. GRCh37 (hg19) VCF-style: chr7-117182079-C-A.
Other names: short protein forms Q376K.
Identifiers: ClinVar variation 1312599 (VCV001312599.11), dbSNP rs1562892823, ClinGen allele CA368979818.

ClinVar aggregate classification (germline): Uncertain significance. Review status: criteria provided, multiple submitters, no conflicts (2 of 4 stars). 3 submissions from 3 submitters: Uncertain significance (3). Last evaluated 2021-05-06.

Conditions:
Cystic fibrosis (CF). Also called: MUCOVISCIDOSIS. Identifiers: Orphanet 586, MedGen C0010674, MONDO:0009061, OMIM 219700. Disease mechanism: loss of function.

Submissions (3):

Labcorp Genetics (formerly Invitae), Labcorp
Classification: Uncertain significance for Cystic fibrosis. Last evaluated: 2021-05-06. Review status: criteria provided, single submitter. Criteria: Invitae Variant Classification Sherloc (09022015). Collection method: clinical testing. Allele origin: germline.
Comment: This sequence change replaces glutamine with lysine at codon 376 of the CFTR protein (p.Gln376Lys). The glutamine residue is moderately conserved and there is a small physicochemical difference between glutamine and lysine. In summary, the available evidence is currently insufficient to determine the role of this variant in disease. Therefore, it has been classified as a Variant of Uncertain Significance. Algorithms developed to predict the effect of missense changes on protein structure and function (SIFT, PolyPhen-2, Align-GVGD) all suggest that this variant is likely to be tolerated, but these predictions have not been confirmed by published functional studies and their clinical significance is uncertain. This variant has not been reported in the literature in individuals with CFTR-related conditions. This variant is not present in population databases (ExAC no frequency).

Ambry Genetics
Classification: Uncertain significance for Cystic fibrosis. Last evaluated: 2021-04-16. Review status: criteria provided, single submitter. Criteria: Ambry Variant Classification Scheme 2023. Collection method: clinical testing. Allele origin: germline.
Comment: The p.Q376K variant (also known as c.1126C>A), located in coding exon 9 of the CFTR gene, results from a C to A substitution at nucleotide position 1126. The glutamine at codon 376 is replaced by lysine, an amino acid with similar properties. This amino acid position is well conserved in available vertebrate species. In addition, the in silico prediction for this alteration is inconclusive. Since supporting evidence is limited at this time, the clinical significance of this alteration remains unclear.

GeneDx
Classification: Uncertain significance. Last evaluated: 2020-03-26. Review status: criteria provided, single submitter. Criteria: GeneDx Variant Classification Process June 2021. Collection method: clinical testing. Allele origin: germline. Affected: yes.
Comment: Not observed in large population cohorts (Lek 2016); In silico analysis supports that this missense variant does not alter protein structure/function; Has not been previously published as pathogenic or benign to our knowledge